The following is an entry in ClinVar:

ClinVar aggregate classification (germline): Uncertain significance (1 of 4 stars; one submission).

Submission:

GeneDx
Classification: Uncertain significance. Last evaluated: 2024-03-20. Review status: criteria provided, single submitter. Criteria: GeneDx Variant Classification Process June 2021. Collection method: clinical testing. Allele origin: germline. Affected: yes.
Comment: Not observed at significant frequency in large population cohorts (gnomAD); In silico analysis supports that this missense variant has a deleterious effect on protein structure/function; Has not been previously published as pathogenic or benign to our knowledge

NM_001375524.1(TRRAP):c.10145T>G (p.Leu3382Arg)

Gene: TRRAP (transformation/transcription domain associated protein; plus strand). Cytogenetic location: 7q22.1.
Variant type: single nucleotide variant.
Coding change: c.10145T>G on transcript NM_001375524.1 (MANE Select); coding-DNA position 10145, T replaced by G.
Protein change: p.Leu3382Arg; replaces leucine 3382 with arginine.
Molecular consequence: missense variant.
Genome position (GRCh38, 1-based): chr7:98,994,684, T>G. VCF-style: chr7-98994684-T-G. GRCh37 (hg19) VCF-style: chr7-98592307-T-G.
Other names: c.10103T>G, p.Leu3368Arg (NM_001244580.2); c.10016T>G, p.Leu3339Arg (NM_003496.4); short protein forms L3339R, L3368R, L3382R.
Identifiers: ClinVar variation 3371122 (VCV003371122.1).